The following is an entry in ClinVar:

ClinVar aggregate classification (germline): Uncertain significance. Review status: criteria provided, multiple submitters, no conflicts (2 of 4 stars). 3 submissions from 3 submitters: Uncertain significance (3). Last evaluated 2025-04-29.

Conditions:
Cystic fibrosis (CF). Also called: MUCOVISCIDOSIS. Identifiers: Orphanet 586, MedGen C0010674, MONDO:0009061, OMIM 219700. Disease mechanism: loss of function.

Submissions (3):

Quest Diagnostics Nichols Institute San Juan Capistrano
Classification: Uncertain significance. Last evaluated: 2025-04-29. Review status: criteria provided, single submitter. Criteria: Quest Diagnostics criteria. Collection method: clinical testing. Allele origin: unknown.
Comment: The CFTR c.2205G>C (p.Arg735Ser) variant has not been reported in individuals with CFTR-related conditions in the published literature. It also has not been reported in large, multi-ethnic general populations (Genome Aggregation Database). Analysis of this variant using bioinformatics tools for the prediction of the effect of amino acid changes on protein structure and function yielded predictions that this variant is benign. Based on the available information, we are unable to determine the clinical significance of this variant.

Ambry Genetics
Classification: Uncertain significance for Cystic fibrosis. Last evaluated: 2023-02-04. Review status: criteria provided, single submitter. Criteria: Ambry Variant Classification Scheme 2023. Collection method: clinical testing. Allele origin: germline.
Comment: The p.R735S variant (also known as c.2205G>C), located in coding exon 14 of the CFTR gene, results from a G to C substitution at nucleotide position 2205. The arginine at codon 735 is replaced by serine, an amino acid with dissimilar properties. This amino acid position is conserved. In addition, the in silico prediction for this alteration is inconclusive. Since supporting evidence is limited at this time, the clinical significance of this alteration remains unclear.

Labcorp Genetics (formerly Invitae), Labcorp
Classification: Uncertain significance for Cystic fibrosis. Last evaluated: 2021-09-17. Review status: criteria provided, single submitter. Criteria: Invitae Variant Classification Sherloc (09022015). Collection method: clinical testing. Allele origin: germline.
Comment: This sequence change replaces arginine with serine at codon 735 of the CFTR protein (p.Arg735Ser). The arginine residue is moderately conserved and there is a moderate physicochemical difference between arginine and serine. This variant is not present in population databases (ExAC no frequency). This variant has not been reported in the literature in individuals affected with CFTR-related conditions. Algorithms developed to predict the effect of missense changes on protein structure and function are either unavailable or do not agree on the potential impact of this missense change (SIFT: "Deleterious"; PolyPhen-2: "Benign"; Align-GVGD: "Class C0"). In summary, the available evidence is currently insufficient to determine the role of this variant in disease. Therefore, it has been classified as a Variant of Uncertain Significance.

NM_000492.4(CFTR):c.2205G>C (p.Arg735Ser)

Gene: CFTR (CF transmembrane conductance regulator; plus strand). Cytogenetic location: 7q31.2.
Variant type: single nucleotide variant.
Coding change: c.2205G>C on transcript NM_000492.4 (MANE Select); coding-DNA position 2205, G replaced by C.
Protein change: p.Arg735Ser; replaces arginine 735 with serine.
Molecular consequence: missense variant.
Genome position (GRCh38, 1-based): chr7:117,592,372, G>C. VCF-style: chr7-117592372-G-C. GRCh37 (hg19) VCF-style: chr7-117232426-G-C.
Other names: c.2205G>C (NM_000492.3); short protein forms R735S.
Identifiers: ClinVar variation 1442187 (VCV001442187.7), dbSNP rs2116032368, ClinGen allele CA368980397.